The following is an entry in ClinVar:

NM_031433.4(MFRP):c.201G>A (p.Trp67Ter)

Genes: C1QTNF5 (C1q and TNF related 5; minus strand), MFRP (membrane frizzled-related protein; minus strand). Cytogenetic location: 11q23.3.
Variant type: single nucleotide variant.
Coding change: c.201G>A on transcript NM_031433.4 (MANE Select); coding-DNA position 201, G replaced by A.
Protein change: p.Trp67Ter; replaces tryptophan 67 with a stop codon.
Molecular consequence: nonsense. On other transcripts: 5 prime UTR variant (1).
Genome position (GRCh38, 1-based): chr11:119,346,116, C>T on the plus strand (G>A on the coding strand, the complement: MFRP is on the minus strand). VCF-style: chr11-119346116-C-T. GRCh37 (hg19) VCF-style: chr11-119216826-C-T.
Other names: c.-2436G>A (NM_015645.5); short protein forms W67*.
Identifiers: ClinVar variation 183045 (VCV000183045.16), dbSNP rs150232843, ClinGen allele CA017270.

ClinVar aggregate classification (germline): Pathogenic. Review status: criteria provided, multiple submitters, no conflicts (2 of 4 stars). 5 submissions from 5 submitters: Pathogenic (2). 3 of the submissions do not count toward it. Last evaluated 2021-01-01.

Conditions:
Retinal dystrophy. Also called: Inherited retinal dystrophy. Identifiers: Orphanet 71862, MedGen C0854723, MeSH D058499, MONDO:0019118, HP:0000556.
Isolated microphthalmia 5. Also called: Posterior Microphthalmia with Retinitis Pigmentosa, Foveoschisis, and Optic Disc Drusen. Identifiers: Orphanet 251279, MedGen C1970236, MONDO:0012605, OMIM 611040.

Allele frequency attached by ClinVar (database versions not stated): ESP Exome Variant Server 0.00008; TOPMed 0.00001; gnomAD 0.00004 and 0.00003; ExAC 0.00001; gnomAD exomes 0.00001.
gnomAD v4.1: 23 of 1,605,672 alleles (0.0014%); highest among the groups gnomAD compares: Non-Finnish European, 0.002%; no homozygotes.

Submissions (5):

Institute of Human Genetics, Univ. Regensburg, Univ. Regensburg
Classification: Pathogenic for Retinal dystrophy. Last evaluated: 2021-01-01. Review status: criteria provided, single submitter. Criteria: ACMG Guidelines, 2015. Collection method: clinical testing. Allele origin: germline. Affected: yes.

Labcorp Genetics (formerly Invitae), Labcorp
Classification: Pathogenic for Isolated microphthalmia 5. Last evaluated: 2020-01-08. Review status: criteria provided, single submitter. Criteria: Invitae Variant Classification Sherloc (09022015). Collection method: clinical testing. Allele origin: germline.
Comment: For these reasons, this variant has been classified as Pathogenic. Loss-of-function variants in MFRP are known to be pathogenic (PMID: 12140190, 15976030, 20361016). This variant has been observed to segregate with clinical features of MFRP-related conditions in a family (PMID: 20361016). ClinVar contains an entry for this variant (Variation ID: 183045). This variant is present in population databases (rs150232843, ExAC 0.003%). This sequence change creates a premature translational stop signal (p.Trp67*) in the MFRP gene. It is expected to result in an absent or disrupted protein product.

OMIM
Classification: Pathogenic for MICROPHTHALMIA, ISOLATED 5. Last evaluated: 2010-03-26. Review status: no assertion criteria provided. Collection method: literature only. Allele origin: germline. Not counted in ClinVar's aggregate classification.

Clinical Genetics DNA and cytogenetics Diagnostics Lab, Erasmus MC, Erasmus Medical Center
Classification: Pathogenic. Review status: no assertion criteria provided. Collection method: clinical testing. Allele origin: germline. Affected: yes. Study: VKGL Data-share Consensus. Not counted in ClinVar's aggregate classification.

Joint Genome Diagnostic Labs from Nijmegen and Maastricht, Radboudumc and MUMC+
Classification: Pathogenic. Review status: no assertion criteria provided. Collection method: clinical testing. Allele origin: germline. Affected: yes. Study: VKGL Data-share Consensus. Not counted in ClinVar's aggregate classification.

Literature cited by the submitters: PubMed 20361016 (cited by 3 submitters); PubMed 3196484 (cited by Institute of Human Genetics, Univ. Regensburg, Univ. Regensburg); PubMed 12140190 (cited by Labcorp Genetics (formerly Invitae), Labcorp); PubMed 15976030 (cited by Labcorp Genetics (formerly Invitae), Labcorp).